The following is an entry in ClinVar:

NM_002049.4(GATA1):c.1108G>A (p.Val370Met)

Gene: GATA1 (GATA binding protein 1; plus strand). Cytogenetic location: Xp11.23.
Variant type: single nucleotide variant.
Coding change: c.1108G>A on transcript NM_002049.4 (MANE Select); coding-DNA position 1108, G replaced by A.
Protein change: p.Val370Met; replaces valine 370 with methionine.
Molecular consequence: missense variant.
Genome position (GRCh38, 1-based): chrX:48,794,030, G>A. VCF-style: chrX-48794030-G-A. GRCh37 (hg19) VCF-style: chrX-48652437-G-A.
Other names: short protein forms V370M.
Identifiers: ClinVar variation 4795069 (VCV004795069.1).

ClinVar aggregate classification (germline): Uncertain significance (1 of 4 stars; one submission).

Conditions:
Diamond-Blackfan anemia. Also called: Blackfan Diamond syndrome; Aregenerative anemia chronic congenital; Red cell aplasia, pure hereditary; Congenital hypoplastic anemia; Aase syndrome. Identifiers: Orphanet 124, MedGen C1260899, MeSH D029503, MONDO:0015253, HP:0004810.
GATA binding protein 1 related thrombocytopenia with dyserythropoiesis. Also called: GATA1-Related Cytopenia; GATA1-Related X-Linked Cytopenia. Identifiers: MedGen C1845837, MONDO:0100089.

Submission:

Labcorp Genetics (formerly Invitae), Labcorp
Classification: Uncertain significance for GATA binding protein 1 related thrombocytopenia with dyserythropoiesis; Diamond-Blackfan anemia. Last evaluated: 2025-09-08. Review status: criteria provided, single submitter. Criteria: Invitae Variant Classification Sherloc (09022015). Collection method: clinical testing. Allele origin: germline.
Comment: This sequence change replaces valine, which is neutral and non-polar, with methionine, which is neutral and non-polar, at codon 370 of the GATA1 protein (p.Val370Met). This variant is not present in population databases (gnomAD no frequency). This variant has not been reported in the literature in individuals affected with GATA1-related conditions. Invitae Evidence Modeling of protein sequence and biophysical properties (such as structural, functional, and spatial information, amino acid conservation, physicochemical variation, residue mobility, and thermodynamic stability) indicates that this missense variant is not expected to disrupt GATA1 protein function with a negative predictive value of 95%. In summary, the available evidence is currently insufficient to determine the role of this variant in disease. Therefore, it has been classified as a Variant of Uncertain Significance.